The following is an entry in ClinVar:

NM_032737.4(LMNB2):c.701G>A (p.Arg234Gln)

Gene: LMNB2 (lamin B2; minus strand). Cytogenetic location: 19p13.3.
Variant type: single nucleotide variant.
Coding change: c.701G>A on transcript NM_032737.4 (MANE Select); coding-DNA position 701, G replaced by A.
Protein change: p.Arg234Gln; replaces arginine 234 with glutamine.
Molecular consequence: missense variant.
Genome position (GRCh38, 1-based): chr19:2,435,155, C>T on the plus strand (G>A on the coding strand, the complement: LMNB2 is on the minus strand). VCF-style: chr19-2435155-C-T. GRCh37 (hg19) VCF-style: chr19-2435153-C-T.
Other names: c.701G>A (NM_032737.3); short protein forms R234Q.
Identifiers: ClinVar variation 1979069 (VCV001979069.5), dbSNP rs761064508, ClinGen allele CA9067790.

ClinVar aggregate classification (germline): Uncertain significance. Review status: criteria provided, multiple submitters, no conflicts (2 of 4 stars). 2 submissions from 2 submitters: Uncertain significance (2). Last evaluated 2025-12-05.

Conditions:
LMNB2-related disorder. Also called: LMNB2-related condition.
Lipodystrophy, partial, acquired, susceptibility to (APLD). Also called: APLD, SUSCEPTIBILITY TO. Identifiers: MedGen C3887501, MONDO:0100476, OMIM 608709.
Progressive myoclonic epilepsy type 9. Identifiers: Orphanet 457265, MedGen C4225289, MONDO:0014685, OMIM 616540.

Allele frequency attached by ClinVar (database versions not stated): gnomAD 0.00001; TOPMed 0.00001.
gnomAD v4.1: 11 of 1,602,824 alleles (0.00069%); highest among the groups gnomAD compares: South Asian, 0.0022%; no homozygotes.

Submissions (2):

PreventionGenetics, part of Exact Sciences
Classification: Uncertain significance for LMNB2-related condition. Last evaluated: 2025-12-05. Review status: criteria provided, single submitter. Criteria: ACMG Guidelines, 2015. Collection method: clinical testing. Allele origin: germline.
Comment: The LMNB2 c.701G>A variant is predicted to result in the amino acid substitution p.Arg234Gln. To our knowledge, this variant has not been reported in the literature. This variant is reported in 0.0065% of alleles in individuals of African descent in gnomAD. Another missense variant affecting the same amino acid, c.700C>T, p.(Arg234Trp), has been reported in a dyslipidemia cohort and reported in an individual with early onset type II diabetes, hypertriglyceridemia and android fat distribution (Dron et al. 2020. PubMed ID: 32041611; Varlet et al. 2021. PubMed ID: 35011612). Functional studies revealed that this alternate variant affected protein localization and function (Varlet et al. 2021. PubMed ID: 35011612). At this time, the clinical significance of the c.701G>A, p.(Arg234Gln) variant is uncertain due to the absence of conclusive functional and genetic evidence.

Labcorp Genetics (formerly Invitae), Labcorp
Classification: Uncertain significance for Progressive myoclonic epilepsy type 9; Lipodystrophy, partial, acquired, susceptibility to. Last evaluated: 2022-03-14. Review status: criteria provided, single submitter. Criteria: Invitae Variant Classification Sherloc (09022015). Collection method: clinical testing. Allele origin: germline.
Comment: This sequence change replaces arginine, which is basic and polar, with glutamine, which is neutral and polar, at codon 234 of the LMNB2 protein (p.Arg234Gln). This variant is present in population databases (rs761064508, gnomAD 0.007%). This variant has not been reported in the literature in individuals affected with LMNB2-related conditions. Algorithms developed to predict the effect of missense changes on protein structure and function (SIFT, PolyPhen-2, Align-GVGD) all suggest that this variant is likely to be disruptive. In summary, the available evidence is currently insufficient to determine the role of this variant in disease. Therefore, it has been classified as a Variant of Uncertain Significance.